The following is an entry in ClinVar:

NM_004525.3(LRP2):c.3601A>G (p.Ile1201Val)

Gene: LRP2 (LDL receptor related protein 2; minus strand). Cytogenetic location: 2q31.1.
Variant type: single nucleotide variant.
Coding change: c.3601A>G on transcript NM_004525.3 (MANE Select); coding-DNA position 3601, A replaced by G.
Protein change: p.Ile1201Val; replaces isoleucine 1201 with valine.
Molecular consequence: missense variant.
Genome position (GRCh38, 1-based): chr2:169,243,022, T>C on the plus strand (A>G on the coding strand, the complement: LRP2 is on the minus strand). VCF-style: chr2-169243022-T-C. GRCh37 (hg19) VCF-style: chr2-170099532-T-C.
Other names: short protein forms I1201V.
Identifiers: ClinVar variation 1503946 (VCV001503946.5), dbSNP rs1689865518, ClinGen allele CA349149927.
Genomic context (GRCh38, chr2:169,243,022, plus strand): 5'-CTGCTTCATCCGAGTTGTCACTGCAATCAAAAACACCATCACAACGATTTGTGACGCCAA[T>C]ACATTTATCCCCACTGGCACACTTGAATTGAGAAGCAGTACAGTTTAATACTAAGAATGA-3'
Protein context (NP_004516.2, residues 1191-1211): QFKCASGDKC[Ile1201Val]GVTNRCDGVF

ClinVar aggregate classification (germline): Uncertain significance (1 of 4 stars; one submission).

Allele frequency attached by ClinVar (database versions not stated): gnomAD exomes below 0.00001; gnomAD 0.00001.
gnomAD v4.1: 7 of 1,614,018 alleles (0.00043%); highest among the groups gnomAD compares: African/African-American, 0.0013%; no homozygotes.

Submission:

Labcorp Genetics (formerly Invitae), Labcorp
Classification: Uncertain significance. Last evaluated: 2022-02-02. Review status: criteria provided, single submitter. Criteria: Invitae Variant Classification Sherloc (09022015). Collection method: clinical testing. Allele origin: germline.
Comment: This sequence change replaces isoleucine, which is neutral and non-polar, with valine, which is neutral and non-polar, at codon 1201 of the LRP2 protein (p.Ile1201Val). This variant is not present in population databases (gnomAD no frequency). This variant has not been reported in the literature in individuals affected with LRP2-related conditions. Advanced modeling of protein sequence and biophysical properties (such as structural, functional, and spatial information, amino acid conservation, physicochemical variation, residue mobility, and thermodynamic stability) performed at Invitae indicates that this missense variant is not expected to disrupt LRP2 protein function. In summary, the available evidence is currently insufficient to determine the role of this variant in disease. Therefore, it has been classified as a Variant of Uncertain Significance.